The following is an entry in ClinVar:

NM_025144.4(ALPK1):c.55G>A (p.Asp19Asn)

Gene: ALPK1 (alpha kinase 1; plus strand). Cytogenetic location: 4q25.
Variant type: single nucleotide variant.
Coding change: c.55G>A on transcript NM_025144.4 (MANE Select); coding-DNA position 55, G replaced by A.
Protein change: p.Asp19Asn; replaces aspartic acid 19 with asparagine.
Molecular consequence: missense variant. On other transcripts: 5 prime UTR variant (1).
Genome position (GRCh38, 1-based): chr4:112,377,832, G>A. VCF-style: chr4-112377832-G-A. GRCh37 (hg19) VCF-style: chr4-113298988-G-A.
Other names: c.55G>A (NM_025144.3, NM_001102406.1); c.55G>A, p.Asp19Asn (NM_001102406.2); c.-25G>A (NM_001253884.2); short protein forms D19N.
Identifiers: ClinVar variation 2074835 (VCV002074835.8), dbSNP rs199994656, ClinGen allele CA3046236.

ClinVar aggregate classification (germline): Uncertain significance. Review status: criteria provided, multiple submitters, no conflicts (2 of 4 stars). 3 submissions from 3 submitters: Uncertain significance (2). 1 of the submissions does not count toward it. Last evaluated 2025-07-10.

Conditions:
Inborn genetic diseases. Identifiers: MedGen C0950123, MeSH D030342.
ALPK1-related disorder. Also called: ALPK1-related condition.

Allele frequency attached by ClinVar (database versions not stated): ExAC 0.00008; ESP Exome Variant Server 0.00015; 1000 Genomes Project 30x 0.00016.
gnomAD v4.1: 46 of 1,613,580 alleles (0.0029%); highest among the groups gnomAD compares: African/African-American, 0.052%; no homozygotes.

Submissions (3):

Labcorp Genetics (formerly Invitae), Labcorp
Classification: Uncertain significance. Last evaluated: 2025-07-10. Review status: criteria provided, single submitter. Criteria: Invitae Variant Classification Sherloc (09022015). Collection method: clinical testing. Allele origin: germline.
Comment: This sequence change replaces aspartic acid, which is acidic and polar, with asparagine, which is neutral and polar, at codon 19 of the ALPK1 protein (p.Asp19Asn). This variant is present in population databases (rs199994656, gnomAD 0.06%), and has an allele count higher than expected for a pathogenic variant. This variant has not been reported in the literature in individuals affected with ALPK1-related conditions. ClinVar contains an entry for this variant (Variation ID: 2074835). An algorithm developed to predict the effect of missense changes on protein structure and function (PolyPhen-2) suggests that this variant is likely to be disruptive. In summary, the available evidence is currently insufficient to determine the role of this variant in disease. Therefore, it has been classified as a Variant of Uncertain Significance.

Ambry Genetics
Classification: Uncertain significance for Inborn genetic diseases. Last evaluated: 2025-06-24. Review status: criteria provided, single submitter. Criteria: Ambry Variant Classification Scheme 2023. Collection method: clinical testing. Allele origin: germline.

PreventionGenetics, part of Exact Sciences
Classification: Likely benign for ALPK1-related condition. Last evaluated: 2024-08-21. Review status: no assertion criteria provided. Collection method: clinical testing. Allele origin: germline. Not counted in ClinVar's aggregate classification.
Comment: This variant is classified as likely benign based on ACMG/AMP sequence variant interpretation guidelines (Richards et al. 2015 PMID: 25741868, with internal and published modifications).